The following is an entry in ClinVar:

ClinVar aggregate classification (germline): Uncertain significance. Review status: criteria provided, multiple submitters, no conflicts (2 of 4 stars). 2 submissions from 2 submitters: Uncertain significance (2). Last evaluated 2022-07-11.

Submissions (2):

Labcorp Genetics (formerly Invitae), Labcorp
Classification: Uncertain significance. Last evaluated: 2022-07-11. Review status: criteria provided, single submitter. Criteria: Invitae Variant Classification Sherloc (09022015). Collection method: clinical testing. Allele origin: germline.
Comment: Algorithms developed to predict the effect of missense changes on protein structure and function are either unavailable or do not agree on the potential impact of this missense change (SIFT: "Deleterious"; PolyPhen-2: "Possibly Damaging"; Align-GVGD: "Class C15"). In summary, the available evidence is currently insufficient to determine the role of this variant in disease. Therefore, it has been classified as a Variant of Uncertain Significance. ClinVar contains an entry for this variant (Variation ID: 1040078). This variant has not been reported in the literature in individuals affected with CACNA2D4-related conditions. This variant is not present in population databases (gnomAD no frequency). This sequence change replaces phenylalanine, which is neutral and non-polar, with leucine, which is neutral and non-polar, at codon 256 of the CACNA2D4 protein (p.Phe256Leu).

Blueprint Genetics
Classification: Uncertain significance. Last evaluated: 2019-12-27. Review status: criteria provided, single submitter. Criteria: ACMG Guidelines, 2015. Collection method: clinical testing. Allele origin: germline.

NM_172364.5(CACNA2D4):c.766T>C (p.Phe256Leu)

Gene: CACNA2D4 (calcium voltage-gated channel auxiliary subunit alpha2delta 4; minus strand). Cytogenetic location: 12p13.33.
Variant type: single nucleotide variant.
Coding change: c.766T>C on transcript NM_172364.5 (MANE Select); coding-DNA position 766, T replaced by C.
Protein change: p.Phe256Leu; replaces phenylalanine 256 with leucine.
Molecular consequence: missense variant.
Genome position (GRCh38, 1-based): chr12:1,907,455, A>G on the plus strand (T>C on the coding strand, the complement: CACNA2D4 is on the minus strand). VCF-style: chr12-1907455-A-G. GRCh37 (hg19) VCF-style: chr12-2016621-A-G.
Other names: short protein forms F256L.
Identifiers: ClinVar variation 1040078 (VCV001040078.11), dbSNP rs1866685866, ClinGen allele CA383363761.